The following is an entry in ClinVar:

ClinVar aggregate classification (germline): Pathogenic. Review status: criteria provided, multiple submitters, no conflicts (2 of 4 stars). 2 submissions from 2 submitters: Pathogenic (2). Last evaluated 2024-06-17.

Conditions:
Intellectual developmental disorder, autosomal recessive 27. Also called: Mental retardation, autosomal recessive 27; Intellectual disability, autosomal recessive 27. Identifiers: Orphanet 88616, MedGen C3280538, MONDO:0013702, OMIM 614340.

Submissions (2):

GeneDx
Classification: Pathogenic. Last evaluated: 2024-06-17. Review status: criteria provided, single submitter. Criteria: GeneDx Variant Classification Process June 2021. Collection method: clinical testing. Allele origin: germline. Affected: yes.
Comment: Frameshift variant predicted to result in abnormal protein length as the last 200 amino acids are replaced with 21 different amino acids, and other similar variants have been reported in HGMD; Not observed at significant frequency in large population cohorts (gnomAD); This variant is associated with the following publications: (PMID: 32802957)

MVZ Medizinische Genetik Mainz
Classification: Pathogenic for Intellectual developmental disorder, autosomal recessive 27. Last evaluated: 2024-04-22. Review status: criteria provided, single submitter. Criteria: UK Practice Guidelines For Variant Classification V4 01 2020. Collection method: clinical testing. Allele origin: germline. Inheritance: Autosomal recessive inheritance. Affected: yes. Observed: 1 variant allele.
Comment: ACMG Criteria: PVS1_STR,PP1_STR,PM3,PM2_SUP

NM_001040616.3(LINS1):c.1672_1679del (p.Gly558fs)

Gene: LINS1 (lines homolog 1; minus strand). Cytogenetic location: 15q26.3.
Variant type: Deletion.
Coding change: c.1672_1679del on transcript NM_001040616.3 (MANE Select); coding-DNA positions 1672 to 1679, 8 bases deleted (GGCTGTGT; older notation c.1672_1679delGGCTGTGT).
Protein change: p.Gly558fs; shifts the reading frame from glycine 558.
Molecular consequence: frameshift variant. On other transcripts: non-coding transcript variant (3).
Genome position (GRCh38, 1-based): chr15:100,569,833-100,569,840, ACACAGCC deleted on the plus strand (GGCTGTGT on the coding strand, the reverse complement: LINS1 is on the minus strand); deleting any 8 consecutive bases within chr15:100,569,833-100,569,843 gives the same sequence; the c. name uses the placement nearest the transcript's 3' end. VCF-style (leftmost placement, unchanged base first): chr15-100569832-GACACAGCC-G. GRCh37 (hg19) VCF-style: chr15-101110037-GACACAGCC-G.
Other names: c.925_932del, p.Gly309fs (NM_001352507.2); c.1519_1526del, p.Gly507fs (NM_001352508.2); short protein forms G309fs, G507fs, G558fs.
Identifiers: ClinVar variation 3391492 (VCV003391492.2).